The following is an entry in ClinVar:

NM_000408.5(GPD2):c.852A>G (p.Lys284=)

Gene: GPD2 (glycerol-3-phosphate dehydrogenase 2; plus strand). Cytogenetic location: 2q24.1.
Variant type: single nucleotide variant.
Coding change: c.852A>G on transcript NM_000408.5 (MANE Select); coding-DNA position 852, A replaced by G.
Protein change: p.Lys284=; no amino-acid change (lysine 284 retained).
Molecular consequence: synonymous variant.
Genome position (GRCh38, 1-based): chr2:156,550,627, A>G. VCF-style: chr2-156550627-A-G. GRCh37 (hg19) VCF-style: chr2-157407139-A-G.
Other names: c.852A>G, p.Lys284= (NM_001083112.3).
Identifiers: ClinVar variation 385326 (VCV000385326.1), dbSNP rs1057522190, ClinGen allele CA16603894.

ClinVar aggregate classification (germline): Likely benign (1 of 4 stars; one submission).

Allele frequency attached by ClinVar (database versions not stated): gnomAD exomes below 0.00001 and 0.00001; gnomAD 0.00001 and 0.00002; TOPMed 0.00002.
gnomAD v4.1: 22 of 1,613,964 alleles (0.0014%); highest among the groups gnomAD compares: Non-Finnish European, 0.0018%; no homozygotes.

Submission:

GeneDx
Classification: Likely benign. Last evaluated: 2016-04-01. Review status: criteria provided, single submitter. Criteria: GeneDx Variant Classification (06012015). Collection method: clinical testing. Allele origin: germline. Affected: yes.
Comment: This variant is considered likely benign or benign based on one or more of the following criteria: it is a conservative change, it occurs at a poorly conserved position in the protein, it is predicted to be benign by multiple in silico algorithms, and/or has population frequency not consistent with disease.